The following is an entry in ClinVar:

ClinVar aggregate classification (germline): Benign (1 of 4 stars; one submission).

Conditions:
Autosomal dominant limb-girdle muscular dystrophy type 1D (DNAJB6) (LGMDD1). Also called: MUSCULAR DYSTROPHY, LIMB-GIRDLE, TYPE 1D; MUSCULAR DYSTROPHY, AUTOSOMAL DOMINANT, WITH RIMMED VACUOLES; Autosomal dominant limb-girdle muscular dystrophy type 1D; Muscular dystrophy, limb-girdle, autosomal dominant 1. Identifiers: Orphanet 34516, MedGen C4721885, MONDO:0021018, OMIM 603511.

Allele frequency attached by ClinVar (database versions not stated): 1000 Genomes Project 0.00479; 1000 Genomes Project 30x 0.00531; gnomAD 0.00656 and 0.00706; TOPMed 0.00724.

Submission:

Illumina Laboratory Services, Illumina
Classification: Benign for Autosomal dominant limb-girdle muscular dystrophy type 1D (DNAJB6). Last evaluated: 2018-01-12. Review status: criteria provided, single submitter. Criteria: ICSL Variant Classification Criteria 13 December 2019. Collection method: clinical testing. Allele origin: germline.
Comment: This variant was observed in the ICSL laboratory as part of a predisposition screen in an ostensibly healthy population. It had not been previously curated by ICSL or reported in the Human Gene Mutation Database (HGMD: prior to June 1st, 2018), and was therefore a candidate for classification through an automated scoring system. Utilizing variant allele frequency, disease prevalence and penetrance estimates, and inheritance mode, an automated score was calculated to assess if this variant is too frequent to cause the disease. Based on the score and internal cut-off values, a variant classified as benign is not then subjected to further curation. The score for this variant resulted in a classification of benign for this disease.

NM_058246.4(DNAJB6):c.*639A>G

Gene: DNAJB6 (DnaJ heat shock protein family (Hsp40) member B6; plus strand). Cytogenetic location: 7q36.3.
Variant type: single nucleotide variant.
Coding change: c.*639A>G on transcript NM_058246.4 (MANE Select); 639 bases downstream of the stop codon, A replaced by G.
Molecular consequence: 3 prime UTR variant.
Genome position (GRCh38, 1-based): chr7:157,416,737, A>G. VCF-style: chr7-157416737-A-G. GRCh37 (hg19) VCF-style: chr7-157209431-A-G.
Other names: c.*639A>G (NM_001363676.1).
Identifiers: ClinVar variation 359471 (VCV000359471.6), dbSNP rs76450641, ClinGen allele CA10623556.